The following is an entry in ClinVar:

NM_001354604.2(MITF):c.1404C>T (p.Asn468=)

Gene: MITF (melanocyte inducing transcription factor; plus strand). Cytogenetic location: 3p13.
Variant type: single nucleotide variant.
Coding change: c.1404C>T on transcript NM_001354604.2 (MANE Select); coding-DNA position 1404, C replaced by T.
Protein change: p.Asn468=; no amino-acid change (asparagine 468 retained).
Molecular consequence: synonymous variant.
Genome position (GRCh38, 1-based): chr3:69,965,071, C>T. VCF-style: chr3-69965071-C-T. GRCh37 (hg19) VCF-style: chr3-70014222-C-T.
Other names: c.1083C>T, p.Asn361= (NM_000248.4); c.1230C>T, p.Asn410= (NM_001184967.2, NM_001354608.2); c.1401C>T, p.Asn467= (NM_001354605.2); c.1383C>T, p.Asn461= (NM_001354606.2, NM_006722.3); c.1335C>T, p.Asn445= (NM_001354607.2); c.1065C>T, p.Asn355= (NM_198158.3); c.1386C>T, p.Asn462= (NM_198159.3); c.1338C>T, p.Asn446= (NM_198177.3); and 1 more.
Identifiers: ClinVar variation 2051264 (VCV002051264.7), dbSNP rs771053835, ClinGen allele CA2490660.
Genomic context (GRCh38, chr3:69,965,071, plus strand): 5'-CGATCTCACGGATGGCACCATCACCTTCAACAACAACCTCGGAACTGGGACTGAGGCCAA[C>T]CAAGCCTATAGTGTCCCCACAAAAATGGGATCCAAACTGGAAGACATCCTGATGGACGAC-3'
Protein context (NP_001341533.1, residues 458-478): NNNLGTGTEA[Asn468=]QAYSVPTKMG

ClinVar aggregate classification (germline): Likely benign. Review status: criteria provided, multiple submitters, no conflicts (2 of 4 stars). 3 submissions from 3 submitters: Likely benign (2). 1 of the submissions does not count toward it. Last evaluated 2026-01-06.

Conditions:
Tietz syndrome (TADS). Also called: TIETZ ALBINISM-DEAFNESS SYNDROME; HYPOPIGMENTATION/DEAFNESS OF TIETZ; ALBINISM-DEAFNESS OF TIETZ. Identifiers: Orphanet 42665, MedGen C0391816, MONDO:0007077, OMIM 103500.
Waardenburg syndrome type 2A (WS2A). Also called: WAARDENBURG SYNDROME WITHOUT DYSTOPIA CANTHORUM. Identifiers: Orphanet 3440, MedGen C1860339, MONDO:0008671, OMIM 193510.
Melanoma, cutaneous malignant, susceptibility to, 8. Also called: Cutaneous malignant melanoma 8; MELANOMA AND RENAL CELL CARCINOMA, SUSCEPTIBILITY TO. Identifiers: Orphanet 293822, MedGen C3152204, MONDO:0013759, OMIM 614456.
MITF-related disorder. Also called: MITF-related condition.
Hereditary cancer-predisposing syndrome. Also called: Hereditary neoplastic syndrome; Neoplastic Syndromes, Hereditary; Tumor predisposition; Hereditary Cancer Syndrome. Identifiers: Orphanet 140162, MedGen C0027672, MeSH D009386, MONDO:0015356.

Allele frequency attached by ClinVar (database versions not stated): gnomAD exomes below 0.00001; ExAC 0.00002; TOPMed 0.00004; gnomAD 0.00005.
gnomAD v4.1: 15 of 1,614,016 alleles (0.00093%); highest among the groups gnomAD compares: African/African-American, 0.015%; no homozygotes.

Submissions (3):

Labcorp Genetics (formerly Invitae), Labcorp
Classification: Likely benign for Melanoma, cutaneous malignant, susceptibility to, 8; Waardenburg syndrome type 2A; Tietz syndrome. Last evaluated: 2026-01-06. Review status: criteria provided, single submitter. Criteria: Invitae Variant Classification Sherloc (09022015). Collection method: clinical testing. Allele origin: germline.

Ambry Genetics
Classification: Likely benign for Hereditary cancer-predisposing syndrome. Last evaluated: 2024-11-28. Review status: criteria provided, single submitter. Criteria: Ambry Variant Classification Scheme 2023. Collection method: clinical testing. Allele origin: germline.

PreventionGenetics, part of Exact Sciences
Classification: Likely benign for MITF-related condition. Last evaluated: 2022-02-03. Review status: no assertion criteria provided. Collection method: clinical testing. Allele origin: germline. Not counted in ClinVar's aggregate classification.
Comment: This variant is classified as likely benign based on ACMG/AMP sequence variant interpretation guidelines (Richards et al. 2015 PMID: 25741868, with internal and published modifications).